The following is an entry in ClinVar:

ClinVar aggregate classification (germline): Uncertain significance (1 of 4 stars; one submission).

Conditions:
Hereditary cancer-predisposing syndrome. Also called: Neoplastic Syndromes, Hereditary; Tumor predisposition; Hereditary Cancer Syndrome; Hereditary neoplastic syndrome. Identifiers: Orphanet 140162, MedGen C0027672, MeSH D009386, MONDO:0015356.

Submission:

Ambry Genetics
Classification: Uncertain significance for Hereditary cancer-predisposing syndrome. Last evaluated: 2022-06-11. Review status: criteria provided, single submitter. Criteria: Ambry Variant Classification Scheme 2023. Collection method: clinical testing. Allele origin: germline.
Comment: The p.Y2838F variant (also known as c.8513A>T), located in coding exon 15 of the APC gene, results from an A to T substitution at nucleotide position 8513. The tyrosine at codon 2838 is replaced by phenylalanine, an amino acid with highly similar properties. This amino acid position is conserved. In addition, in silico predictors for this gene do not accurately predict pathogenicity. Since supporting evidence is limited at this time, the clinical significance of this alteration remains unclear.

NM_000038.6(APC):c.8513A>T (p.Tyr2838Phe)

Gene: APC (APC regulator of Wnt signaling pathway; plus strand). Cytogenetic location: 5q22.2.
Variant type: single nucleotide variant.
Coding change: c.8513A>T on transcript NM_000038.6 (MANE Select); coding-DNA position 8513, A replaced by T.
Protein change: p.Tyr2838Phe; replaces tyrosine 2838 with phenylalanine.
Molecular consequence: missense variant.
Genome position (GRCh38, 1-based): chr5:112,844,107, A>T. VCF-style: chr5-112844107-A-T. GRCh37 (hg19) VCF-style: chr5-112179804-A-T.
Other names: c.8513A>T, p.Tyr2838Phe (NM_001127510.3, NM_001354895.2, NM_001407450.1); c.8459A>T, p.Tyr2820Phe (NM_001127511.3); c.8567A>T, p.Tyr2856Phe (NM_001354896.2, NM_001407447.1, NM_001407448.1 and 1 more transcripts); c.8543A>T, p.Tyr2848Phe (NM_001354897.2); c.8438A>T, p.Tyr2813Phe (NM_001354898.2); c.8429A>T, p.Tyr2810Phe (NM_001354899.2); c.8390A>T, p.Tyr2797Phe (NM_001354900.2); c.8336A>T, p.Tyr2779Phe (NM_001354901.2, NM_001407453.1); and 11 more; short protein forms Y2454F, Y2712F, Y2755F, Y2848F, Y2856F, Y2678F, Y2737F, Y2747F.
Identifiers: ClinVar variation 1763695 (VCV001763695.2), dbSNP rs765573502, ClinGen allele CA16039797.
Genomic context (GRCh38, chr5:112,844,107, plus strand): 5'-CCAAAACTGACAGCACAGAATCCAGTGGAACCCAAAGTCCTAAGCGCCATTCTGGGTCTT[A>T]CCTTGTGACATCTGTTTAAAAGAGAGGAAGAATGAAACTAAGAAAATTCTATGTTAATTA-3'
Protein context (NP_000029.2, residues 2828-2843): TQSPKRHSGS[Tyr2838Phe]LVTSV